The following is an entry in ClinVar:

NM_015021.3(ZNF292):c.5226T>C (p.Ser1742=)

Gene: ZNF292 (zinc finger protein 292; plus strand). Cytogenetic location: 6q14.3.
Variant type: single nucleotide variant.
Coding change: c.5226T>C on transcript NM_015021.3 (MANE Select); coding-DNA position 5226, T replaced by C.
Protein change: p.Ser1742=; no amino-acid change (serine 1742 retained).
Molecular consequence: synonymous variant.
Genome position (GRCh38, 1-based): chr6:87,258,855, T>C. VCF-style: chr6-87258855-T-C. GRCh37 (hg19) VCF-style: chr6-87968573-T-C.
Other names: c.4806T>C, p.Ser1602= (NM_001351444.2).
Identifiers: ClinVar variation 3047676 (VCV003047676.2), dbSNP rs781723343, ClinGen allele CA3914453.

ClinVar aggregate classification (germline): Likely benign (0 of 4 stars; one submission).

Conditions:
ZNF292-related disorder. Also called: ZNF292-related condition.

Allele frequency attached by ClinVar (database versions not stated): gnomAD 0.00009; TOPMed 0.00024.
gnomAD v4.1: 275 of 1,610,158 alleles (0.017%); highest among the groups gnomAD compares: Admixed American, 0.091%; 3 homozygotes.

Submission:

PreventionGenetics, part of Exact Sciences
Classification: Likely benign for ZNF292-related condition. Last evaluated: 2023-12-31. Review status: no assertion criteria provided. Collection method: clinical testing. Allele origin: germline.
Comment: This variant is classified as likely benign based on ACMG/AMP sequence variant interpretation guidelines (Richards et al. 2015 PMID: 25741868, with internal and published modifications).